The following is an entry in ClinVar:

NM_001199107.2(TBC1D24):c.-115-101G>A

Gene: TBC1D24 (TBC1 domain family member 24; plus strand). Cytogenetic location: 16p13.3.
Variant type: single nucleotide variant.
Coding change: c.-115-101G>A on transcript NM_001199107.2 (MANE Select); 101 bases into the intron before 115 bases upstream of the start codon, G replaced by A.
Molecular consequence: intron variant.
Genome position (GRCh38, 1-based): chr16:2,495,933, G>A. VCF-style: chr16-2495933-G-A. GRCh37 (hg19) VCF-style: chr16-2545934-G-A.
Other names: c.-115-101G>A (NM_020705.3).
Identifiers: ClinVar variation 675998 (VCV000675998.2), dbSNP rs138511243, ClinGen allele CA276809584.

ClinVar aggregate classification (germline): Likely benign. Review status: criteria provided, multiple submitters, no conflicts (2 of 4 stars). 2 submissions from 2 submitters: Likely benign (2). Last evaluated 2018-06-16.

Allele frequency attached by ClinVar (database versions not stated): 1000 Genomes Project 0.00439; 1000 Genomes Project 30x 0.00468; TOPMed 0.00751; gnomAD 0.00787 and 0.00814; gnomAD exomes 0.01116.
gnomAD v4.1: 6,306 of 605,334 alleles (1%); highest among the groups gnomAD compares: Middle Eastern, 2.9%; 55 homozygotes.

Submissions (2):

GeneDx
Classification: Likely benign. Last evaluated: 2018-06-16. Review status: criteria provided, single submitter. Criteria: GeneDx Variant Classification (06012015). Collection method: clinical testing. Allele origin: germline. Affected: yes.
Comment: This variant is considered likely benign or benign based on one or more of the following criteria: it is a conservative change, it occurs at a poorly conserved position in the protein, it is predicted to be benign by multiple in silico algorithms, and/or has population frequency not consistent with disease.

Breakthrough Genomics
Classification: Likely benign. Review status: criteria provided, single submitter. Criteria: ACMG Guidelines, 2015. Collection method: not provided. Allele origin: germline. Inheritance: Autosomal recessive inheritance. Affected: yes.